The following is an entry in ClinVar:

NM_000179.3(MSH6):c.3647-20T>C

Gene: MSH6 (mutS homolog 6; plus strand). Cytogenetic location: 2p16.3.
Variant type: single nucleotide variant.
Coding change: c.3647-20T>C on transcript NM_000179.3 (MANE Select); 20 bases into the intron before coding-DNA position 3647, T replaced by C.
Molecular consequence: intron variant.
Genome position (GRCh38, 1-based): chr2:47,806,184, T>C. VCF-style: chr2-47806184-T-C. GRCh37 (hg19) VCF-style: chr2-48033323-T-C.
Other names: c.2741-20T>C (NM_001281493.2, NM_001281494.2); c.3257-20T>C (NM_001281492.2).
Identifiers: ClinVar variation 628625 (VCV000628625.12), dbSNP rs377015327, ClinGen allele CA071720.

ClinVar aggregate classification (germline): Benign/Likely benign. Review status: criteria provided, multiple submitters, no conflicts (2 of 4 stars). 4 submissions from 4 submitters: Benign (2); Likely benign (2). Last evaluated 2026-01-18.

Conditions:
Hereditary cancer-predisposing syndrome. Also called: Neoplastic Syndromes, Hereditary; Tumor predisposition; Hereditary neoplastic syndrome; Hereditary Cancer Syndrome. Identifiers: Orphanet 140162, MedGen C0027672, MeSH D009386, MONDO:0015356.
Lynch syndrome 5 (LYNCH5). Also called: Colorectal cancer, hereditary nonpolyposis, type 5; Hereditary non-polyposis colorectal cancer, type 5. Identifiers: Orphanet 144, MedGen C1833477, MONDO:0013710, OMIM 614350. Disease mechanism: loss of function.
Hereditary nonpolyposis colorectal neoplasms. Identifiers: MedGen C0009405, MeSH D003123.

Allele frequency attached by ClinVar (database versions not stated): gnomAD exomes 0.00002; ExAC 0.00003; TOPMed 0.00007; gnomAD 0.00009; ESP Exome Variant Server 0.00015; 1000 Genomes Project 30x 0.00016; 1000 Genomes Project 0.00020.

Submissions (4):

Labcorp Genetics (formerly Invitae), Labcorp
Classification: Likely benign for Hereditary nonpolyposis colorectal neoplasms. Last evaluated: 2026-01-18. Review status: criteria provided, single submitter. Criteria: Invitae Variant Classification Sherloc (09022015). Collection method: clinical testing. Allele origin: germline.

Myriad Genetics, Inc.
Classification: Benign for Lynch syndrome 5. Last evaluated: 2025-01-07. Review status: criteria provided, single submitter. Criteria: Myriad Autosomal Dominant, Autosomal Recessive and X-Linked Classification Criteria (2023). Collection method: clinical testing. Allele origin: unknown.
Comment: This variant is considered benign. This variant is intronic and is not expected to impact mRNA splicing. This variant is strongly associated with less severe personal and family histories of cancer, typical for individuals without pathogenic variants in this gene [PMID: 27363726].

Color Diagnostics, LLC DBA Color Health
Classification: Likely benign for Hereditary cancer-predisposing syndrome. Last evaluated: 2016-09-01. Review status: criteria provided, single submitter. Criteria: ACMG Guidelines, 2015. Collection method: clinical testing. Allele origin: germline.

GeneDx
Classification: Benign. Last evaluated: 2015-03-03. Review status: criteria provided, single submitter. Criteria: GeneDx Variant Classification Process June 2021. Collection method: clinical testing. Allele origin: germline. Affected: yes.

Literature cited by the submitters: PubMed 27363726 (cited by Myriad Genetics, Inc.).